The following is an entry in ClinVar:

ClinVar aggregate classification (germline): Benign/Likely benign. Review status: criteria provided, multiple submitters, no conflicts (2 of 4 stars). 8 submissions from 8 submitters: Benign (5); Likely benign (2). 1 of the submissions does not count toward it. Last evaluated 2026-01-26.

Conditions:
FANCA-related disorder. Also called: FANCA-related condition.
Fanconi anemia (FA). Also called: Fanconi's anemia. Identifiers: Orphanet 84, MedGen C0015625, MeSH D005199, MONDO:0019391.
Fanconi anemia complementation group A (FANCA). Also called: FANCA-Related Fanconi Anemia; Fanconi anemia, group A. Identifiers: Orphanet 84, MedGen C3469521, MONDO:0009215, OMIM 227650.

Allele frequency attached by ClinVar (database versions not stated): gnomAD exomes 0.00060; ExAC 0.00085; 1000 Genomes Project 0.00240; gnomAD 0.00243 and 0.00257; TOPMed 0.00255; 1000 Genomes Project 30x 0.00265; ESP Exome Variant Server 0.00323.
gnomAD v4.1: 726 of 1,613,818 alleles (0.045%); highest among the groups gnomAD compares: African/African-American, 0.85%; 3 homozygotes.

Submissions (8):

Labcorp Genetics (formerly Invitae), Labcorp
Classification: Benign for Fanconi anemia. Last evaluated: 2026-01-26. Review status: criteria provided, single submitter. Criteria: Invitae Variant Classification Sherloc (09022015). Collection method: clinical testing. Allele origin: germline.

Blueprint Genetics
Classification: Likely benign. Last evaluated: 2024-11-25. Review status: criteria provided, single submitter. Criteria: ACMG Guidelines, 2015. Collection method: clinical testing. Allele origin: germline.

KCCC/NGS Laboratory, Kuwait Cancer Control Center
Classification: Benign for Fanconi anemia complementation group A. Last evaluated: 2023-07-07. Review status: criteria provided, single submitter. Criteria: ACMG Guidelines, 2015. Collection method: clinical testing. Allele origin: germline. Affected: yes.

Fulgent Genetics
Classification: Likely benign for Fanconi anemia complementation group A. Last evaluated: 2021-12-16. Review status: criteria provided, single submitter. Criteria: ACMG Guidelines, 2015. Collection method: clinical testing. Allele origin: unknown.

Genetic Services Laboratory, University of Chicago
Classification: Benign. Last evaluated: 2021-04-29. Review status: criteria provided, single submitter. Criteria: ACMG Guidelines, 2015. Collection method: clinical testing. Allele origin: germline. Affected: no.

Sema4
Classification: Benign for Fanconi anemia. Last evaluated: 2020-12-19. Review status: criteria provided, single submitter. Criteria: Sema4 Curation Guidelines. Collection method: curation. Allele origin: germline.

Breakthrough Genomics
Classification: Benign. Review status: criteria provided, single submitter. Criteria: ACMG Guidelines, 2015. Collection method: not provided. Allele origin: germline. Inheritance: Autosomal recessive inheritance. Affected: yes.

PreventionGenetics, part of Exact Sciences
Classification: Benign for FANCA-related condition. Last evaluated: 2022-04-11. Review status: no assertion criteria provided. Collection method: clinical testing. Allele origin: germline. Not counted in ClinVar's aggregate classification.
Comment: This variant is classified as benign based on ACMG/AMP sequence variant interpretation guidelines (Richards et al. 2015 PMID: 25741868, with internal and published modifications).

NM_000135.4(FANCA):c.2021C>T (p.Ser674Leu)

Gene: FANCA (FA complementation group A; minus strand). Cytogenetic location: 16q24.3.
Variant type: single nucleotide variant.
Coding change: c.2021C>T on transcript NM_000135.4 (MANE Select); coding-DNA position 2021, C replaced by T.
Protein change: p.Ser674Leu; replaces serine 674 with leucine.
Molecular consequence: missense variant.
Genome position (GRCh38, 1-based): chr16:89,771,808, G>A on the plus strand (C>T on the coding strand, the complement: FANCA is on the minus strand). VCF-style: chr16-89771808-G-A. GRCh37 (hg19) VCF-style: chr16-89838216-G-A.
Other names: c.2021C>T, p.Ser674Leu (NM_001286167.3); c.2021C>T (LRG_495t1, NM_000135.3); short protein forms S674L.
Identifiers: ClinVar variation 237038 (VCV000237038.22), dbSNP rs17232973, ClinGen allele CA8251931.
Genomic context (GRCh38, chr16:89,771,808, plus strand): 5'-TCATCCTCATTGTGGCCCAGGACAGCCCTCAGTCTTTCAGAAATCACTGCCACCTGTGCC[G>A]ATATAACTGCGAAGGAAGAAACTAGTTAGGGATGACAAGAACCCCGAAAGGAGGGATACA-3'
Protein context (NP_000126.2, residues 664-684): MTDPSQRDVI[Ser674Leu]AQVAVISERL